The following is an entry in ClinVar:

NM_007186.6(CEP250):c.673G>A (p.Val225Met)

Gene: CEP250 (centrosomal protein 250; plus strand). Cytogenetic location: 20q11.22.
Variant type: single nucleotide variant.
Coding change: c.673G>A on transcript NM_007186.6 (MANE Select); coding-DNA position 673, G replaced by A.
Protein change: p.Val225Met; replaces valine 225 with methionine.
Molecular consequence: missense variant. On other transcripts: 5 prime UTR variant (1).
Genome position (GRCh38, 1-based): chr20:35,467,377, G>A. VCF-style: chr20-35467377-G-A. GRCh37 (hg19) VCF-style: chr20-34055202-G-A.
Other names: c.-1227G>A (NM_001318219.1); short protein forms V225M.
Identifiers: ClinVar variation 1465051 (VCV001465051.5), dbSNP rs1253661871, ClinGen allele CA408755577.

ClinVar aggregate classification (germline): Uncertain significance (1 of 4 stars; one submission).

Allele frequency attached by ClinVar (database versions not stated): gnomAD 0.00001.
gnomAD v4.1: 1 of 1,614,098 alleles (0.000062%); highest among the groups gnomAD compares: African/African-American, 0.0013%; no homozygotes.

Submission:

Labcorp Genetics (formerly Invitae), Labcorp
Classification: Uncertain significance. Last evaluated: 2021-08-14. Review status: criteria provided, single submitter. Criteria: Invitae Variant Classification Sherloc (09022015). Collection method: clinical testing. Allele origin: germline.
Comment: This sequence change replaces valine with methionine at codon 225 of the CEP250 protein (p.Val225Met). The valine residue is weakly conserved and there is a small physicochemical difference between valine and methionine. This variant is not present in population databases (ExAC no frequency). This variant has not been reported in the literature in individuals affected with CEP250-related conditions. Algorithms developed to predict the effect of missense changes on protein structure and function output the following: SIFT: "Not Available"; PolyPhen-2: "Benign"; Align-GVGD: "Not Available". The methionine amino acid residue is found in multiple mammalian species, which suggests that this missense change does not adversely affect protein function. In summary, the available evidence is currently insufficient to determine the role of this variant in disease. Therefore, it has been classified as a Variant of Uncertain Significance.